The following is an entry in ClinVar:

ClinVar aggregate classification (germline): Likely pathogenic (1 of 4 stars; one submission).

Conditions:
Abetalipoproteinaemia (ABL). Also called: Abetalipoproteinemia; Abetalipoproteinemia neuropathy; Apolipoprotein B deficiency; Congenital betalipoprotein deficiency syndrome; MTP DEFICIENCY. Identifiers: Orphanet 14, MedGen C0000744, MONDO:0008692, OMIM 200100, HP:0008181.

Submission:

Myriad Genetics, Inc.
Classification: Likely pathogenic for Abetalipoproteinaemia. Last evaluated: 2022-03-14. Review status: criteria provided, single submitter. Criteria: Myriad Women's Health Autosomal Recessive and X-Linked Classification Criteria (2021). Collection method: clinical testing. Allele origin: unknown.
Comment: NM_000253.2(MTTP):c.2113_2114delAC(T705Lfs*7) is expected to be pathogenic in the context of abetalipoproteinemia. This variant is predicted to lead to an abnormal or absent protein product due to the creation of a premature termination codon in MTTP, a gene where loss-of-function variants are known to be pathogenic. Please note: this variant was assessed in the context of healthy population screening.

NM_001386140.1(MTTP):c.2113_2114del (p.Thr705fs)

Gene: MTTP (microsomal triglyceride transfer protein; plus strand). Cytogenetic location: 4q23.
Variant type: Deletion.
Coding change: c.2113_2114del on transcript NM_001386140.1 (MANE Select); coding-DNA positions 2113 to 2114, 2 bases deleted (AC; older notation c.2113_2114delAC).
Protein change: p.Thr705fs; shifts the reading frame from threonine 705.
Molecular consequence: frameshift variant.
Genome position (GRCh38, 1-based): chr4:99,613,036-99,613,037, AC deleted; deleting any 2 consecutive bases within chr4:99,613,035-99,613,037 gives the same sequence; the c. name uses the placement nearest the transcript's 3' end. VCF-style (leftmost placement, unchanged base first): chr4-99613034-TCA-T. GRCh37 (hg19) VCF-style: chr4-100534191-TCA-T.
Other names: c.2113_2114del, p.Thr705fs (NM_000253.4); c.1864_1865del, p.Thr622fs (NM_001300785.2); short protein forms T622fs, T705fs.
Identifiers: ClinVar variation 1725205 (VCV001725205.2), dbSNP rs2476149269, ClinGen allele CA2580071925.